The following is an entry in ClinVar:

NM_032608.7(MYO18B):c.3385C>G (p.Leu1129Val)

Gene: MYO18B (myosin XVIIIB; plus strand). Cytogenetic location: 22q12.1.
Variant type: single nucleotide variant.
Coding change: c.3385C>G on transcript NM_032608.7 (MANE Select); coding-DNA position 3385, C replaced by G.
Protein change: p.Leu1129Val; replaces leucine 1129 with valine.
Molecular consequence: missense variant.
Genome position (GRCh38, 1-based): chr22:25,846,116, C>G. VCF-style: chr22-25846116-C-G. GRCh37 (hg19) VCF-style: chr22-26242083-C-G.
Other names: c.3388C>G, p.Leu1130Val (NM_001318245.2); c.3385C>G (NM_032608.5); short protein forms L1129V, L1130V.
Identifiers: ClinVar variation 3713077 (VCV003713077.2).

ClinVar aggregate classification (germline): Uncertain significance. Review status: criteria provided, multiple submitters, no conflicts (2 of 4 stars). 2 submissions from 2 submitters: Uncertain significance (2). Last evaluated 2025-03-27.

Conditions:
Inborn genetic diseases. Identifiers: MedGen C0950123, MeSH D030342.

gnomAD v4.1: 23 of 1,579,554 alleles (0.0015%); highest among the groups gnomAD compares: Admixed American, 0.0019%; no homozygotes.

Submissions (2):

Ambry Genetics
Classification: Uncertain significance for Inborn genetic diseases. Last evaluated: 2025-03-27. Review status: criteria provided, single submitter. Criteria: Ambry Variant Classification Scheme 2023. Collection method: clinical testing. Allele origin: germline.

Labcorp Genetics (formerly Invitae), Labcorp
Classification: Uncertain significance. Last evaluated: 2024-02-24. Review status: criteria provided, single submitter. Criteria: Invitae Variant Classification Sherloc (09022015). Collection method: clinical testing. Allele origin: germline.
Comment: This sequence change replaces leucine, which is neutral and non-polar, with valine, which is neutral and non-polar, at codon 1129 of the MYO18B protein (p.Leu1129Val). This variant is present in population databases (rs766276848, gnomAD 0.004%). This variant has not been reported in the literature in individuals affected with MYO18B-related conditions. An algorithm developed to predict the effect of missense changes on protein structure and function (PolyPhen-2) suggests that this variant is likely to be disruptive. In summary, the available evidence is currently insufficient to determine the role of this variant in disease. Therefore, it has been classified as a Variant of Uncertain Significance.